The following is an entry in ClinVar:

ClinVar aggregate classification (germline): Likely pathogenic (1 of 4 stars; one submission).

Conditions:
Cohen syndrome (COH1). Also called: PEPPER SYNDROME; Cutis verticis gyrata, retinitis pigmentosa, and sensorineural deafness. Identifiers: Orphanet 193, MedGen C0265223, MONDO:0008999, OMIM 216550.

Submission:

Natera, Inc.
Classification: Likely pathogenic for Cohen syndrome. Last evaluated: 2025-01-07. Review status: criteria provided, single submitter. Criteria: Natera Variant Classification Schema (03/2026). Collection method: clinical testing. Allele origin: germline.
Comment: The c.9445_9446del variant in VPS13B is a frameshift variant predicted to shift the reading frame beginning at codon 3149 and leads to a stop codon 20 codons downstream. This variant is expected to result in nonsense mediated decay, truncation, or a dysfunctional protein product. This variant is rare in the general population with a frequency below the threshold expected for the associated phenotype(s). Given the available evidence, this variant is classified as Likely Pathogenic.

NM_152564.5(VPS13B):c.9370_9371del (p.Pro3124fs)

Gene: VPS13B (vacuolar protein sorting 13 homolog B; plus strand). Cytogenetic location: 8q22.2.
Variant type: Deletion.
Coding change: c.9370_9371del on transcript NM_152564.5 (MANE Select); coding-DNA positions 9370 to 9371, 2 bases deleted (CC; older notation c.9370_9371delCC).
Protein change: p.Pro3124fs; shifts the reading frame from proline 3124.
Molecular consequence: frameshift variant.
Genome position (GRCh38, 1-based): chr8:99,832,408-99,832,409, CC deleted; deleting any 2 consecutive bases within chr8:99,832,407-99,832,409 gives the same sequence; the c. name uses the placement nearest the transcript's 3' end. VCF-style (leftmost placement, unchanged base first): chr8-99832406-GCC-G. GRCh37 (hg19) VCF-style: chr8-100844634-GCC-G.
Other names: c.9445_9446delCC, p.Pro3149Argfs (NM_017890.4); c.9445_9446del, p.Pro3149fs (NM_017890.5); short protein forms P3124fs, P3149fs.
Identifiers: ClinVar variation 4063277 (VCV004063277.2).